The following is an entry in ClinVar:

ClinVar aggregate classification (germline): Uncertain significance (1 of 4 stars; one submission).

Conditions:
Hereditary cancer-predisposing syndrome. Also called: Tumor predisposition; Neoplastic Syndromes, Hereditary; Hereditary Cancer Syndrome; Hereditary neoplastic syndrome. Identifiers: Orphanet 140162, MedGen C0027672, MeSH D009386, MONDO:0015356.

Submission:

Ambry Genetics
Classification: Uncertain significance for Hereditary cancer-predisposing syndrome. Last evaluated: 2025-02-03. Review status: criteria provided, single submitter. Criteria: Ambry Variant Classification Scheme 2023. Collection method: clinical testing. Allele origin: germline.
Comment: The p.C1147Y variant (also known as c.3440G>A), located in coding exon 13 of the PALB2 gene, results from a G to A substitution at nucleotide position 3440. The cysteine at codon 1147 is replaced by tyrosine, an amino acid with highly dissimilar properties. This amino acid position is conserved. In addition, the in silico prediction for this alteration is inconclusive. Based on the available evidence, the clinical significance of this variant remains unclear.

NM_024675.4(PALB2):c.3440G>A (p.Cys1147Tyr)

Gene: PALB2 (partner and localizer of BRCA2; minus strand). Cytogenetic location: 16p12.2.
Variant type: single nucleotide variant.
Coding change: c.3440G>A on transcript NM_024675.4 (MANE Select); coding-DNA position 3440, G replaced by A.
Protein change: p.Cys1147Tyr; replaces cysteine 1147 with tyrosine.
Molecular consequence: missense variant. On other transcripts: 3 prime UTR variant (5).
Genome position (GRCh38, 1-based): chr16:23,603,580, C>T on the plus strand (G>A on the coding strand, the complement: PALB2 is on the minus strand). VCF-style: chr16-23603580-C-T. GRCh37 (hg19) VCF-style: chr16-23614901-C-T.
Other names: c.3380G>A, p.Cys1127Tyr (NM_001407296.1); c.3368G>A, p.Cys1123Tyr (NM_001407297.1); c.3278G>A, p.Cys1093Tyr (NM_001407298.1); c.3203G>A, p.Cys1068Tyr (NM_001407299.1); c.3161G>A, p.Cys1054Tyr (NM_001407300.1); c.*75G>A (NM_001407301.1, NM_001407302.1, NM_001407310.1 and 2 more transcripts); c.2555G>A, p.Cys852Tyr (NM_001407304.1, NM_001407305.1, NM_001407306.1); c.2393G>A, p.Cys798Tyr (NM_001407307.1); and 3 more; short protein forms C551Y, C1068Y, C1093Y, C1127Y, C1147Y, C325Y, C798Y, C1054Y.
Identifiers: ClinVar variation 3885182 (VCV003885182.1).